The following is an entry in ClinVar:

NM_016507.4(CDK12):c.4415A>G (p.Tyr1472Cys)

Gene: CDK12 (cyclin dependent kinase 12; plus strand). Cytogenetic location: 17q12.
Variant type: single nucleotide variant.
Coding change: c.4415A>G on transcript NM_016507.4 (MANE Select); coding-DNA position 4415, A replaced by G.
Protein change: p.Tyr1472Cys; replaces tyrosine 1472 with cysteine.
Molecular consequence: missense variant.
Genome position (GRCh38, 1-based): chr17:39,531,258, A>G. VCF-style: chr17-39531258-A-G. GRCh37 (hg19) VCF-style: chr17-37687511-A-G.
Other names: c.4388A>G, p.Tyr1463Cys (NM_015083.4); short protein forms Y1463C, Y1472C.
Identifiers: ClinVar variation 133862 (VCV000133862.1), dbSNP rs373240630, ClinGen allele CA158010.
Genomic context (GRCh38, chr17:39,531,258, plus strand): 5'-GCTCAGGAGCAGGCCTTCACTGGGGGGGCCCAACTCAGTCTTCTGCTTATGGAAAACTCT[A>G]TCGGGGGCCTACAAGAGTCCCACCAAGAGGGGGAAGAGGGAGAGGAGTTCCTTACTAACC-3'
Protein context (NP_057591.2, residues 1462-1482): PTQSSAYGKL[Tyr1472Cys]RGPTRVPPRG

ClinVar aggregate classification (germline): not provided (0 of 4 stars; one submission).

Allele frequency attached by ClinVar (database versions not stated): ESP Exome Variant Server 0.00008; TOPMed 0.00017; 1000 Genomes Project 30x 0.00047; 1000 Genomes Project 0.00060.
gnomAD v4.1: 57 of 1,510,304 alleles (0.0038%); highest among the groups gnomAD compares: African/African-American, 0.06%; no homozygotes.

Submission:

ITMI
No classification provided. Condition: AllHighlyPenetrant. Last evaluated: 2013-09-19. Review status: no classification provided. Collection method: reference population. Allele origin: germline.
Comment: Please see associated publication for description of ethnicities

Literature cited by the submitters: PubMed 24728327.